The following is an entry in ClinVar:

ClinVar aggregate classification (germline): Uncertain significance. Review status: criteria provided, multiple submitters, no conflicts (2 of 4 stars). 3 submissions from 3 submitters: Uncertain significance (2). 1 of the submissions does not count toward it. Last evaluated 2025-09-30.

Conditions:
Amyotrophic lateral sclerosis type 21. Also called: VOCAL CORD AND PHARYNGEAL DYSFUNCTION WITH DISTAL MYOPATHY; MYOPATHY, DISTAL, 2. Identifiers: Orphanet 600, Orphanet 803, MedGen C3807521, MONDO:0011632, OMIM 606070.
MATR3-related disorder. Also called: MATR3-related condition.
Inborn genetic diseases. Identifiers: MedGen C0950123, MeSH D030342.

gnomAD v4.1: 1 of 1,613,906 alleles (0.000062%); highest among the groups gnomAD compares: Non-Finnish European, 0.000085%; no homozygotes.

Submissions (3):

Labcorp Genetics (formerly Invitae), Labcorp
Classification: Uncertain significance for Amyotrophic lateral sclerosis type 21. Last evaluated: 2025-09-30. Review status: criteria provided, single submitter. Criteria: Invitae Variant Classification Sherloc (09022015). Collection method: clinical testing. Allele origin: germline.
Comment: This sequence change replaces valine, which is neutral and non-polar, with glycine, which is neutral and non-polar, at codon 687 of the MATR3 protein (p.Val687Gly). This variant is not present in population databases (gnomAD no frequency). This variant has not been reported in the literature in individuals affected with MATR3-related conditions. ClinVar contains an entry for this variant (Variation ID: 2147336). Invitae Evidence Modeling of protein sequence and biophysical properties (such as structural, functional, and spatial information, amino acid conservation, physicochemical variation, residue mobility, and thermodynamic stability) indicates that this missense variant is not expected to disrupt MATR3 protein function with a negative predictive value of 80%. In summary, the available evidence is currently insufficient to determine the role of this variant in disease. Therefore, it has been classified as a Variant of Uncertain Significance.

Ambry Genetics
Classification: Uncertain significance for Inborn genetic diseases. Last evaluated: 2025-05-13. Review status: criteria provided, single submitter. Criteria: Ambry Variant Classification Scheme 2023. Collection method: clinical testing. Allele origin: germline.

PreventionGenetics, part of Exact Sciences
Classification: Uncertain significance for MATR3-related condition. Last evaluated: 2023-12-06. Review status: no assertion criteria provided. Collection method: clinical testing. Allele origin: germline. Not counted in ClinVar's aggregate classification.
Comment: The MATR3 c.2060T>G variant is predicted to result in the amino acid substitution p.Val687Gly. To our knowledge, this variant has not been reported in the literature or in a large population database, indicating this variant is rare. At this time, the clinical significance of this variant is uncertain due to the absence of conclusive functional and genetic evidence.

NM_018834.6(MATR3):c.2060T>G (p.Val687Gly)

Genes: MATR3 (matrin 3; plus strand), LOC126807526 (CDK7 strongly-dependent group 2 enhancer GRCh37_chr5:138657767-138658966; plus strand). Cytogenetic location: 5q31.2.
Variant type: single nucleotide variant.
Coding change: c.2060T>G on transcript NM_018834.6 (MANE Select); coding-DNA position 2060, T replaced by G.
Protein change: p.Val687Gly; replaces valine 687 with glycine.
Molecular consequence: missense variant.
Genome position (GRCh38, 1-based): chr5:139,322,879, T>G. VCF-style: chr5-139322879-T-G. GRCh37 (hg19) VCF-style: chr5-138658568-T-G.
Other names: c.2060T>G (NM_199189.2); c.2060T>G, p.Val687Gly (NM_001194954.2, NM_001194955.2, NM_001400441.1 and 16 more transcripts); c.1196T>G, p.Val399Gly (NM_001194956.2); c.1046T>G, p.Val349Gly (NM_001282278.2, NM_001400460.1, NM_001400462.1 and 5 more transcripts); c.1199T>G, p.Val400Gly (NM_001400459.1); c.1160T>G, p.Val387Gly (NM_001400461.1); short protein forms V399G, V349G, V400G, V687G, V387G.
Identifiers: ClinVar variation 2147336 (VCV002147336.6), dbSNP rs1318860923, ClinGen allele CA361144841.